The following is an entry in ClinVar:

ClinVar aggregate classification (germline): Uncertain significance (1 of 4 stars; one submission).

Conditions:
Hereditary cancer-predisposing syndrome. Also called: Neoplastic Syndromes, Hereditary; Tumor predisposition; Hereditary Cancer Syndrome; Hereditary neoplastic syndrome. Identifiers: Orphanet 140162, MedGen C0027672, MeSH D009386, MONDO:0015356.

gnomAD v4.1: 1 of 1,612,060 alleles (0.000062%); no homozygotes.

Submission:

Ambry Genetics
Classification: Uncertain significance for Hereditary cancer-predisposing syndrome. Last evaluated: 2026-07-21. Review status: criteria provided, single submitter. Criteria: Ambry Variant Classification Scheme 2023. Collection method: clinical testing. Allele origin: germline.
Comment: The c.1559+2T>A intronic variant results from a T to A substitution two nucleotides after coding exon 16 in the CDC73 gene. This variant occurs at the 3' terminus of the gene, is not expected to trigger nonsense-mediated mRNA decay, and only impacts the last 11% of the protein. This nucleotide position is highly conserved in available vertebrate species. In silico splice site analysis predicts that this alteration will weaken the native splice donor site. RNA studies have demonstrated that this alteration results in a splice defect; the clinical impact of this abnormal splicing is unknown at this time (Ambry internal data). Based on the available evidence, the clinical significance of this variant remains unclear.

NM_024529.5(CDC73):c.1559+2T>A

Gene: CDC73 (cell division cycle 73; plus strand). Cytogenetic location: 1q31.2.
Variant type: single nucleotide variant.
Coding change: c.1559+2T>A on transcript NM_024529.5 (MANE Select); the canonical splice donor site of the intron after coding-DNA position 1559, T replaced by A.
Molecular consequence: splice donor variant.
Genome position (GRCh38, 1-based): chr1:193,249,873, T>A. VCF-style: chr1-193249873-T-A. GRCh37 (hg19) VCF-style: chr1-193219003-T-A.
Identifiers: ClinVar variation 4631647 (VCV004631647.2).